The following is an entry in ClinVar:

ClinVar aggregate classification (germline): Uncertain significance (1 of 4 stars; one submission).

Submission:

Ambry Genetics
Classification: Uncertain significance. Last evaluated: 2024-12-25. Review status: criteria provided, single submitter. Criteria: Ambry Variant Classification Scheme 2023. Collection method: clinical testing. Allele origin: germline.
Comment: The p.L153V variant (also known as c.457C>G), located in coding exon 3 of the GFI1 gene, results from a C to G substitution at nucleotide position 457. The leucine at codon 153 is replaced by valine, an amino acid with highly similar properties. This amino acid position is conserved. In addition, this alteration is predicted to be tolerated by in silico analysis. Based on the available evidence, the clinical significance of this variant remains unclear.

NM_005263.5(GFI1):c.457C>G (p.Leu153Val)

Gene: GFI1 (growth factor independent 1 transcriptional repressor; minus strand). Cytogenetic location: 1p22.1.
Variant type: single nucleotide variant.
Coding change: c.457C>G on transcript NM_005263.5 (MANE Select); coding-DNA position 457, C replaced by G.
Protein change: p.Leu153Val; replaces leucine 153 with valine.
Molecular consequence: missense variant.
Genome position (GRCh38, 1-based): chr1:92,480,930, G>C on the plus strand (C>G on the coding strand, the complement: GFI1 is on the minus strand). VCF-style: chr1-92480930-G-C. GRCh37 (hg19) VCF-style: chr1-92946487-G-C.
Other names: c.457C>G, p.Leu153Val (NM_001127215.3, NM_001127216.3); short protein forms L153V.
Identifiers: ClinVar variation 3853670 (VCV003853670.1).
Genomic context (GRCh38, chr1:92,480,930, plus strand): 5'-CCCGCTTCGGGCCGTACAGCGCGGCCGGGTGGCCAGGCTCCGGGGCGGGTTCGCAGAAGA[G>C]GCCCAGGCCAGCGCCACGCTCCAGGGCCCCACACGGTCGGTAGCTCTGCACCAGGTGCCG-3'
Protein context (NP_005254.2, residues 143-163): GALERGAGLG[Leu153Val]FCEPAPEPGH